The following is an entry in ClinVar:

NM_001267550.2(TTN):c.106078G>C (p.Glu35360Gln)

Genes: TTN-AS1 (TTN antisense RNA 1; plus strand), TTN (titin; minus strand), LOC129935182 (ATAC-STARR-seq lymphoblastoid active region 16807; plus strand). Cytogenetic location: 2q31.2.
Variant type: single nucleotide variant.
Coding change: c.106078G>C on transcript NM_001267550.2 (MANE Select); coding-DNA position 106078, G replaced by C.
Protein change: p.Glu35360Gln; replaces glutamic acid 35360 with glutamine.
Molecular consequence: missense variant.
Genome position (GRCh38, 1-based): chr2:178,530,537, C>G on the plus strand (G>C on the coding strand, the complement: TTN is on the minus strand). VCF-style: chr2-178530537-C-G. GRCh37 (hg19) VCF-style: chr2-179395264-C-G.
Other names: c.78883G>C, p.Glu26295Gln (NM_003319.4); c.98374G>C, p.Glu32792Gln (NM_133378.4); c.79258G>C, p.Glu26420Gln (NM_133432.3); c.79459G>C, p.Glu26487Gln (NM_133437.4); c.101155G>C, p.Glu33719Gln (NM_001256850.1); short protein forms E26295Q, E26420Q, E26487Q, E32792Q, E35360Q, E33719Q.
Identifiers: ClinVar variation 2921749 (VCV002921749.3), dbSNP rs2468373656, ClinGen allele CA349407082.

ClinVar aggregate classification (germline): Uncertain significance (1 of 4 stars; one submission).

Conditions:
Dilated cardiomyopathy 1G (CMD1G). Identifiers: Orphanet 154, MedGen C1858763, MONDO:0011400, OMIM 604145.
Autosomal recessive limb-girdle muscular dystrophy type 2J (LGMDR10). Also called: Limb-girdle muscular dystrophy, type 2J; MUSCULAR DYSTROPHY, LIMB-GIRDLE, AUTOSOMAL RECESSIVE 10. Identifiers: Orphanet 140922, MedGen C1837342, MONDO:0012127, OMIM 608807.

Allele frequency attached by ClinVar (database versions not stated): gnomAD exomes below 0.00001.
gnomAD v4.1: 3 of 1,614,018 alleles (0.00019%); highest among the groups gnomAD compares: East Asian, 0.0067%; no homozygotes.

Submission:

Labcorp Genetics (formerly Invitae), Labcorp
Classification: Uncertain significance for Dilated cardiomyopathy 1G; Autosomal recessive limb-girdle muscular dystrophy type 2J. Last evaluated: 2024-03-09. Review status: criteria provided, single submitter. Criteria: Invitae Variant Classification Sherloc (09022015). Collection method: clinical testing. Allele origin: germline.
Comment: This sequence change replaces glutamic acid, which is acidic and polar, with glutamine, which is neutral and polar, at codon 35360 of the TTN protein (p.Glu35360Gln). This variant is not present in population databases (gnomAD no frequency). This variant has not been reported in the literature in individuals affected with TTN-related conditions. Experimental studies and prediction algorithms are not available or were not evaluated, and the functional significance of this variant is currently unknown. This variant is located in the M band of TTN (PMID: 25589632). Non-truncating variants in this region may be relevant for neuromuscular disorders, but have not been definitively shown to cause cardiomyopathy (PMID: 23975875). In summary, the available evidence is currently insufficient to determine the role of this variant in disease. Therefore, it has been classified as a Variant of Uncertain Significance.

Literature cited by the submitters: PubMed 25589632; PubMed 23975875.